The following is an entry in ClinVar:

ClinVar aggregate classification (germline): Uncertain significance (1 of 4 stars; one submission).

Conditions:
Oligodontia-cancer predisposition syndrome. Also called: TOOTH AGENESIS-COLORECTAL CANCER SYNDROME. Identifiers: Orphanet 300576, MedGen C1837750, MONDO:0012075, OMIM 608615. Disease mechanism: loss of function.

Submission:

Labcorp Genetics (formerly Invitae), Labcorp
Classification: Uncertain significance for Oligodontia-cancer predisposition syndrome. Last evaluated: 2025-12-21. Review status: criteria provided, single submitter. Criteria: Invitae Variant Classification Sherloc (09022015). Collection method: clinical testing. Allele origin: germline.
Comment: This sequence change replaces serine, which is neutral and polar, with phenylalanine, which is neutral and non-polar, at codon 652 of the AXIN2 protein (p.Ser652Phe). This variant is not present in population databases (gnomAD no frequency). This variant has not been reported in the literature in individuals affected with AXIN2-related conditions. An algorithm developed to predict the effect of missense changes on protein structure and function (PolyPhen-2) suggests that this variant is likely to be tolerated. In summary, the available evidence is currently insufficient to determine the role of this variant in disease. Therefore, it has been classified as a Variant of Uncertain Significance.

NM_004655.4(AXIN2):c.1955C>T (p.Ser652Phe)

Gene: AXIN2 (axin 2; minus strand). Cytogenetic location: 17q24.1.
Variant type: single nucleotide variant.
Coding change: c.1955C>T on transcript NM_004655.4 (MANE Select); coding-DNA position 1955, C replaced by T.
Protein change: p.Ser652Phe; replaces serine 652 with phenylalanine.
Molecular consequence: missense variant.
Genome position (GRCh38, 1-based): chr17:65,536,506, G>A on the plus strand (C>T on the coding strand, the complement: AXIN2 is on the minus strand). VCF-style: chr17-65536506-G-A. GRCh37 (hg19) VCF-style: chr17-63532624-G-A.
Other names: c.1760C>T, p.Ser587Phe (NM_001363813.1); short protein forms S587F, S652F.
Identifiers: ClinVar variation 4710210 (VCV004710210.1).
Genomic context (GRCh38, chr17:65,536,506, plus strand): 5'-GTGCGGGGGTGCCCGCTGTTGCCCCCCCACAGATGGTGCCGGCTGGCTCGTTCGCCTGGA[G>A]ACGAGCGGGCAGACTCCAAGGGGTAGGCCTTTTTTGTGCTTTGGGCACTAAACAAGGAAT-3'
Protein context (NP_004646.3, residues 642-662): KAYPLESARS[Ser652Phe]PGERASRHHL